The following is an entry in ClinVar:

NM_001267550.2(TTN):c.15324G>A (p.Trp5108Ter)

Gene: TTN (titin; minus strand). Cytogenetic location: 2q31.2.
Variant type: single nucleotide variant.
Coding change: c.15324G>A on transcript NM_001267550.2 (MANE Select); coding-DNA position 15324, G replaced by A.
Protein change: p.Trp5108Ter; replaces tryptophan 5108 with a stop codon.
Molecular consequence: nonsense. On other transcripts: intron variant (3).
Genome position (GRCh38, 1-based): chr2:178,734,500, C>T on the plus strand (G>A on the coding strand, the complement: TTN is on the minus strand). VCF-style: chr2-178734500-C-T. GRCh37 (hg19) VCF-style: chr2-179599227-C-T.
Other names: c.14373G>A, p.Trp4791Ter (NM_001256850.1); c.11592G>A, p.Trp3864Ter (NM_133378.4); c.13282+3582G>A (NM_003319.4); c.13858+3582G>A (NM_133437.4); c.13657+3582G>A (NM_133432.3); short protein forms W3864*, W4791*, W5108*.
Identifiers: ClinVar variation 1057256 (VCV001057256.7), dbSNP rs755339616, ClinGen allele CA60981455.
Genomic context (GRCh38, chr2:178,734,500, plus strand): 5'-AGACTTCTGAGAAAACAATCTGTATTTTTTACTACTTCGAATTTGTTTCTTGTCTTTGAA[C>T]CAGCTAATTTCAAATGGTCCAGTGCCTGAGACTTCACACTGAAGTAGAGCATTTGTTCCT-3'

ClinVar aggregate classification (germline): Likely pathogenic (1 of 4 stars; one submission).

Conditions:
Dilated cardiomyopathy 1G (CMD1G). Identifiers: Orphanet 154, MedGen C1858763, MONDO:0011400, OMIM 604145.
Autosomal recessive limb-girdle muscular dystrophy type 2J (LGMDR10). Also called: Limb-girdle muscular dystrophy, type 2J; MUSCULAR DYSTROPHY, LIMB-GIRDLE, AUTOSOMAL RECESSIVE 10. Identifiers: Orphanet 140922, MedGen C1837342, MONDO:0012127, OMIM 608807.

Allele frequency attached by ClinVar (database versions not stated): TOPMed below 0.00001; gnomAD exomes 0.00001.
gnomAD v4.1: 7 of 1,613,622 alleles (0.00043%); highest among the groups gnomAD compares: Non-Finnish European, 0.00059%; no homozygotes.

Submission:

Labcorp Genetics (formerly Invitae), Labcorp
Classification: Likely pathogenic for Dilated cardiomyopathy 1G; Autosomal recessive limb-girdle muscular dystrophy type 2J. Last evaluated: 2024-10-18. Review status: criteria provided, single submitter. Criteria: Invitae Variant Classification Sherloc (09022015). Collection method: clinical testing. Allele origin: germline.
Comment: This sequence change creates a premature translational stop signal (p.Trp5108*) in the TTN gene. While this is not anticipated to result in nonsense mediated decay, it is expected to create a truncated TTN protein. This variant is not present in population databases (gnomAD no frequency). This variant has not been reported in the literature in individuals affected with TTN-related conditions. ClinVar contains an entry for this variant (Variation ID: 1057256). This variant is located in the I band of TTN (PMID: 25589632). Truncating variants in this region have been reported in individuals affected with autosomal recessive centronuclear myopathy (PMID: 23975875, internal data). Truncating variants in this region have also been identified in individuals affected with autosomal dominant dilated cardiomyopathy and/or cardio-related conditions (PMID: 27869827, 32964742, internal data). In summary, the currently available evidence indicates that the variant is pathogenic, but additional data are needed to prove that conclusively. Therefore, this variant has been classified as Likely Pathogenic.

Literature cited by the submitters: PubMed 25589632; PubMed 23975875; PubMed 27869827; PubMed 32964742.